The following is an entry in ClinVar:

ClinVar aggregate classification (germline): Uncertain significance. Review status: criteria provided, multiple submitters, no conflicts (2 of 4 stars). 2 submissions from 2 submitters: Uncertain significance (2). Last evaluated 2025-08-27.

Conditions:
Inborn genetic diseases. Identifiers: MedGen C0950123, MeSH D030342.

Allele frequency attached by ClinVar (database versions not stated): ExAC 0.00005; gnomAD 0.00002; gnomAD exomes 0.00005; TOPMed 0.00003.
gnomAD v4.1: 78 of 1,614,012 alleles (0.0048%); highest among the groups gnomAD compares: Middle Eastern, 0.016%; no homozygotes.

Submissions (2):

Mayo Clinic Laboratories, Mayo Clinic
Classification: Uncertain significance. Last evaluated: 2025-08-27. Review status: criteria provided, single submitter. Criteria: ACMG Guidelines, 2015. Collection method: clinical testing. Allele origin: germline. Observed: 1 variant allele.
Comment: PM2_supporting

Ambry Genetics
Classification: Uncertain significance for Inborn genetic diseases. Last evaluated: 2025-02-08. Review status: criteria provided, single submitter. Criteria: Ambry Variant Classification Scheme 2023. Collection method: clinical testing. Allele origin: germline.

NM_001374504.1(TMPRSS6):c.71C>T (p.Pro24Leu)

Gene: TMPRSS6 (transmembrane serine protease 6; minus strand). Cytogenetic location: 22q12.3.
Variant type: single nucleotide variant.
Coding change: c.71C>T on transcript NM_001374504.1 (MANE Select); coding-DNA position 71, C replaced by T.
Protein change: p.Pro24Leu; replaces proline 24 with leucine.
Molecular consequence: missense variant.
Genome position (GRCh38, 1-based): chr22:37,103,347, G>A on the plus strand (C>T on the coding strand, the complement: TMPRSS6 is on the minus strand). VCF-style: chr22-37103347-G-A. GRCh37 (hg19) VCF-style: chr22-37499387-G-A.
Other names: p.Pro33Leu; c.71C>T, p.Pro24Leu (NM_001289000.2, NM_001289001.2, NM_153609.4); c.98C>T (NM_153609.3); short protein forms P24L.
Identifiers: ClinVar variation 2205630 (VCV002205630.4), dbSNP rs767105409, ClinGen allele CA10216208.